The following is an entry in ClinVar:

NM_001040108.2(MLH3):c.3110del (p.Glu1036_Ser1037insTer)

Gene: MLH3 (mutL homolog 3; minus strand). Cytogenetic location: 14q24.3.
Variant type: Deletion.
Coding change: c.3110del on transcript NM_001040108.2 (MANE Select); coding-DNA position 3110, one base deleted (C; older notation c.3110delC).
Protein change: p.Glu1036_Ser1037insTer.
Molecular consequence: nonsense.
Genome position (GRCh38, 1-based): chr14:75,046,546, G deleted on the plus strand (C on the coding strand, the reverse complement: MLH3 is on the minus strand). VCF-style (leftmost placement, unchanged base first): chr14-75046545-TG-T. GRCh37 (hg19) VCF-style: chr14-75513248-TG-T.
Other names: c.3110del, p.Glu1036_Ser1037insTer (NM_014381.3).
Identifiers: ClinVar variation 3711664 (VCV003711664.4).

ClinVar aggregate classification (germline): Conflicting classifications of pathogenicity. Review status: criteria provided, conflicting classifications (1 of 4 stars). 2 submissions from 2 submitters: Pathogenic (1); Uncertain significance (1). Last evaluated 2026-05-29.

Conditions:
Colorectal cancer, hereditary nonpolyposis, type 7. Identifiers: Orphanet 144, MedGen C1858380, MONDO:0013725, OMIM 614385.

Submissions (2):

Ambry Genetics
Classification: Pathogenic. Last evaluated: 2026-05-29. Review status: criteria provided, single submitter. Criteria: Ambry Variant Classification Scheme 2023. Collection method: clinical testing. Allele origin: germline.
Comment: The c.3110delC pathogenic mutation, located in coding exon 1 of the MLH3 gene, results from a deletion of one nucleotide at nucleotide position 3110, causing a translational frameshift with a predicted alternate stop codon (p.S1037*). This variant is considered to be rare based on population cohorts in the Genome Aggregation Database (gnomAD). This alteration is expected to result in loss of function by premature protein truncation or nonsense-mediated mRNA decay. As such, this alteration is interpreted as a disease-causing mutation.

Labcorp Genetics (formerly Invitae), Labcorp
Classification: Uncertain significance for Colorectal cancer, hereditary nonpolyposis, type 7. Last evaluated: 2024-05-15. Review status: criteria provided, single submitter. Criteria: Invitae Variant Classification Sherloc (09022015). Collection method: clinical testing. Allele origin: germline.
Comment: This sequence change creates a premature translational stop signal (p.Ser1037*) in the MLH3 gene. It is expected to result in an absent or disrupted protein product. However, the current clinical and genetic evidence is not sufficient to establish whether loss-of-function variants in MLH3 cause disease. This variant is not present in population databases (gnomAD no frequency). This variant has not been reported in the literature in individuals affected with MLH3-related conditions. In summary, the available evidence is currently insufficient to determine the role of this variant in disease. Therefore, it has been classified as a Variant of Uncertain Significance.